The following is an entry in ClinVar:

ClinVar aggregate classification (germline): Pathogenic. Review status: criteria provided, multiple submitters, no conflicts (2 of 4 stars). 10 submissions from 10 submitters: Pathogenic (8). 2 of the submissions do not count toward it. Last evaluated 2026-10-06.

Conditions:
Severe combined immunodeficiency, autosomal recessive, T cell-negative, B cell-negative, NK cell-positive. Also called: SCID, T CELL-NEGATIVE, B CELL-NEGATIVE, NK CELL-POSITIVE; Severe combined immunodeficiency due to complete RAG1/2 deficiency; SCID, AR, T-cell negative, B-cell negative, NK cell-positive. Identifiers: Orphanet 331206, MedGen C1832322, MONDO:0011086, OMIM 601457.
Combined immunodeficiency with skin granulomas. Identifiers: Orphanet 157949, MedGen C2673536, MONDO:0009306, OMIM 233650.
Histiocytic medullary reticulosis. Also called: SEVERE COMBINED IMMUNODEFICIENCY WITH HYPEREOSINOPHILIA; Omenn syndrome. Identifiers: Orphanet 39041, MedGen C2700553, MONDO:0011338, OMIM 603554.
Combined immunodeficiency due to partial RAG1 deficiency. Identifiers: Orphanet 231154, MedGen C1835931, MONDO:0012359, OMIM 609889.
RAG1-related disorder. Also called: RAG1-related condition; RAG1-related disorders.

Allele frequency attached by ClinVar (database versions not stated): gnomAD 0.00009 and 0.00007; TOPMed 0.00009; gnomAD exomes 0.00011 and 0.00013; ExAC 0.00012; ESP Exome Variant Server 0.00008.
gnomAD v4.1: 196 of 1,614,090 alleles (0.012%); highest among the groups gnomAD compares: Non-Finnish European, 0.016%; no homozygotes.

Submissions (10):

GeneDx
Classification: Pathogenic. Last evaluated: 2026-10-06. Review status: criteria provided, single submitter. Criteria: GeneDx Variant Classification Process June 2021. Collection method: clinical testing. Allele origin: germline.
Comment: Published functional studies demonstrate a damaging effect, including decreased RAG complex recombination activity (PMID: 24290284); In silico analysis supports that this missense variant has a deleterious effect on protein structure/function; This variant is associated with the following publications: (PMID: 25976673, 11133745, 35753512, 25516070, 28783691, 38324638, 33239578, 34426522, 35902638, 10701853, 28973083, 33193364, 24290284, 11971977, 26996199, 27825771, 37088379, 40671651, 39720732, 36279417, 20489056)

PreventionGenetics, part of Exact Sciences
Classification: Pathogenic for RAG1-related condition. Last evaluated: 2026-09-15. Review status: criteria provided, single submitter. Criteria: ACMG Guidelines, 2015. Collection method: clinical testing. Allele origin: germline.
Comment: The RAG1 c.1566G>T variant is predicted to result in the amino acid substitution p.Trp522Cys. This variant has been reported with another RAG1 variant (phase unknown) and in the compound heterozygous state in individuals with atypical SCID/Omenn syndrome or delayed-onset combined immune deficiency with granuloma and/or autoimmunity (CID-G/A), or common variable immunodeficiency disorder (CVID) (Villa et al. 2001. PubMed ID: 11133745; De Ravin et al. 2010. PubMed ID: 20489056; Lee et al. 2013. PubMed ID: 24290284; Buchbinder et al. 2014. PubMed ID: 25516070). An in vitro experimental study showed this variant impacted protein function (De Ravin et al. 2010. PubMed ID: 20489056). This variant is reported in 0.021% of alleles in individuals of European (Non-Finnish) descent in gnomAD. This variant is interpreted as pathogenic.

Labcorp Genetics (formerly Invitae), Labcorp
Classification: Pathogenic for Combined immunodeficiency with skin granulomas; Severe combined immunodeficiency, autosomal recessive, T cell-negative, B cell-negative, NK cell-positive. Last evaluated: 2026-01-28. Review status: criteria provided, single submitter. Criteria: Invitae Variant Classification Sherloc (09022015). Collection method: clinical testing. Allele origin: germline.
Comment: This sequence change replaces tryptophan, which is neutral and slightly polar, with cysteine, which is neutral and slightly polar, at codon 522 of the RAG1 protein (p.Trp522Cys). This variant is present in population databases (rs193922461, gnomAD 0.02%). This missense change has been observed in individual(s) with atypical SCID/Omenn syndrome (OS) and delayed-onset combined immune deficiency (CID) and midline granulomatous disease (PMID: 10701853, 11133745, 20489056, 24290284, 25516070). In at least one individual the data is consistent with being in trans (on the opposite chromosome) from a pathogenic variant. ClinVar contains an entry for this variant (Variation ID: 36710). Invitae Evidence Modeling of protein sequence and biophysical properties (such as structural, functional, and spatial information, amino acid conservation, physicochemical variation, residue mobility, and thermodynamic stability) has been performed for this missense variant. However, the output from this modeling did not meet the statistical confidence thresholds required to predict the impact of this variant on RAG1 protein function. Experimental studies have shown that this missense change affects RAG1 function (PMID: 20489056). For these reasons, this variant has been classified as Pathogenic.

Blueprint Genetics
Classification: Pathogenic for RAG1-related disorders. Last evaluated: 2024-10-18. Review status: criteria provided, single submitter. Criteria: ACMG Guidelines, 2015. Collection method: clinical testing. Allele origin: germline. Affected: yes. Observed: 5 variant alleles.

Baylor Genetics
Classification: Pathogenic for Combined immunodeficiency due to partial RAG1 deficiency. Last evaluated: 2024-03-24. Review status: criteria provided, single submitter. Criteria: ACMG Guidelines, 2015. Collection method: clinical testing. Allele origin: unknown.

Mayo Clinic Laboratories, Mayo Clinic
Classification: Pathogenic. Last evaluated: 2024-03-08. Review status: criteria provided, single submitter. Criteria: ACMG Guidelines, 2015. Collection method: clinical testing. Allele origin: germline. Observed: 1 variant allele.
Comment: PP3, PM3_very_strong, PS3

Fulgent Genetics
Classification: Pathogenic for Combined immunodeficiency with skin granulomas; Severe combined immunodeficiency, autosomal recessive, T cell-negative, B cell-negative, NK cell-positive; Histiocytic medullary reticulosis; Combined immunodeficiency due to partial RAG1 deficiency. Last evaluated: 2024-03-04. Review status: criteria provided, single submitter. Criteria: ACMG Guidelines, 2015. Collection method: clinical testing. Allele origin: germline.

Revvity Omics, Revvity
Classification: Pathogenic. Last evaluated: 2022-02-03. Review status: criteria provided, single submitter. Criteria: ACMG Guidelines, 2015. Collection method: clinical testing. Allele origin: germline.

Women's Health and Genetics/Laboratory Corporation of America, LabCorp
Classification: Likely pathogenic for Combined cellular and humoral immune defects with granulomas. Last evaluated: 2015-10-02. Review status: no assertion criteria provided. Collection method: clinical testing. Allele origin: germline. Not counted in ClinVar's aggregate classification.
Comment: The c.1566G>T (p.Trp522Cys) variant involves the alteration of a conserved nucleotide and 4/4 in silico tools predict a pathogenic outcome. The variant is present at a low frequency in the control population (0.01% in ExAC), but has been reported in the literature in patients with granulomatous disease (De Ravin_2010), atypical SCID/OS (Villa_2000, Kwan_2013) and common variable immunodeficiency (Lee_2014, Buchbinder_2014). In vitro analysis showed the variant to result in recombination acitivty that was 50-60% reduced compared to WT (De Ravin_2010, Lee_2014).

OMIM
Classification: Pathogenic for COMBINED CELLULAR AND HUMORAL IMMUNE DEFECTS WITH GRANULOMAS. Last evaluated: 2010-08-26. Review status: no assertion criteria provided. Collection method: literature only. Allele origin: germline. Not counted in ClinVar's aggregate classification.

Literature cited by the submitters: PubMed 10701853 (cited by Labcorp Genetics (formerly Invitae), Labcorp and Mayo Clinic Laboratories, Mayo Clinic); PubMed 11133745 (cited by Labcorp Genetics (formerly Invitae), Labcorp and Mayo Clinic Laboratories, Mayo Clinic); PubMed 20489056 (cited by 3 submitters); PubMed 24290284 (cited by Labcorp Genetics (formerly Invitae), Labcorp and Mayo Clinic Laboratories, Mayo Clinic); PubMed 25516070 (cited by Labcorp Genetics (formerly Invitae), Labcorp and Mayo Clinic Laboratories, Mayo Clinic); PubMed 28783691 (cited by Mayo Clinic Laboratories, Mayo Clinic); PubMed 28973083 (cited by Mayo Clinic Laboratories, Mayo Clinic); PubMed 35902638 (cited by Mayo Clinic Laboratories, Mayo Clinic); PubMed 36279417 (cited by Mayo Clinic Laboratories, Mayo Clinic).

NM_000448.3(RAG1):c.1566G>T (p.Trp522Cys)

Gene: RAG1 (recombination activating 1; plus strand). Cytogenetic location: 11p12.
Variant type: single nucleotide variant.
Coding change: c.1566G>T on transcript NM_000448.3 (MANE Select); coding-DNA position 1566, G replaced by T.
Protein change: p.Trp522Cys; replaces tryptophan 522 with cysteine.
Molecular consequence: missense variant.
Genome position (GRCh38, 1-based): chr11:36,574,870, G>T. VCF-style: chr11-36574870-G-T. GRCh37 (hg19) VCF-style: chr11-36596420-G-T.
Other names: c.1566G>T, p.Trp522Cys (NM_001377277.1, NM_001377278.1, NM_001377279.1 and 1 more transcripts); short protein forms W522C.
Identifiers: ClinVar variation 36710 (VCV000036710.25), dbSNP rs193922461, ClinGen allele CA213430.
Genomic context (GRCh38, chr11:36,574,870, plus strand): 5'-TTTGCATGCCCTTCGGAATGCTGAGAAGGTACTTCTGCCAGGCTACCACCACTTTGAGTG[G>T]CAGCCACCTCTGAAGAATGTGTCTTCCAGCACTGATGTTGGCATTATTGATGGGCTGTCT-3'
Protein context (NP_000439.2, residues 512-532): VLLPGYHHFE[Trp522Cys]QPPLKNVSSS